The following is an entry in ClinVar:

NM_024570.4(RNASEH2B):c.29G>A (p.Gly10Glu)

Genes: RNASEH2B (ribonuclease H2 subunit B; plus strand), RNASEH2B-AS1 (RNASEH2B antisense RNA 1; minus strand), LOC130009810 (ATAC-STARR-seq lymphoblastoid silent region 5362; plus strand). Cytogenetic location: 13q14.3.
Variant type: single nucleotide variant.
Coding change: c.29G>A on transcript NM_024570.4 (MANE Select); coding-DNA position 29, G replaced by A.
Protein change: p.Gly10Glu; replaces glycine 10 with glutamic acid.
Molecular consequence: missense variant.
Genome position (GRCh38, 1-based): chr13:50,910,105, G>A. VCF-style: chr13-50910105-G-A. GRCh37 (hg19) VCF-style: chr13-51484241-G-A.
Other names: c.29G>A, p.Gly10Glu (NM_001142279.2); c.29G>A (NM_024570.3); short protein forms G10E.
Identifiers: ClinVar variation 1467438 (VCV001467438.4), dbSNP rs1340493334, ClinGen allele CA388258408.

ClinVar aggregate classification (germline): Uncertain significance. Review status: criteria provided, multiple submitters, no conflicts (2 of 4 stars). 2 submissions from 2 submitters: Uncertain significance (2). Last evaluated 2022-07-19.

Conditions:
Inborn genetic diseases. Identifiers: MedGen C0950123, MeSH D030342.
Aicardi-Goutieres syndrome 2. Identifiers: Orphanet 51, MedGen C3489724, MONDO:0012429, OMIM 610181.

Allele frequency attached by ClinVar (database versions not stated): TOPMed 0.00001; gnomAD exomes 0.00006.
gnomAD v4.1: 5 of 1,462,214 alleles (0.00034%); highest among the groups gnomAD compares: Admixed American, 0.013%; no homozygotes.

Submissions (2):

Labcorp Genetics (formerly Invitae), Labcorp
Classification: Uncertain significance for Aicardi-Goutieres syndrome 2. Last evaluated: 2022-07-19. Review status: criteria provided, single submitter. Criteria: Invitae Variant Classification Sherloc (09022015). Collection method: clinical testing. Allele origin: germline.
Comment: This sequence change replaces glycine, which is neutral and non-polar, with glutamic acid, which is acidic and polar, at codon 10 of the RNASEH2B protein (p.Gly10Glu). This variant is present in population databases (no rsID available, gnomAD 0.03%). This variant has not been reported in the literature in individuals affected with RNASEH2B-related conditions. ClinVar contains an entry for this variant (Variation ID: 1467438). Algorithms developed to predict the effect of missense changes on protein structure and function are either unavailable or do not agree on the potential impact of this missense change (SIFT: "Tolerated"; PolyPhen-2: "Not Available"; Align-GVGD: "Class C0"). In summary, the available evidence is currently insufficient to determine the role of this variant in disease. Therefore, it has been classified as a Variant of Uncertain Significance.

Ambry Genetics
Classification: Uncertain significance for Inborn genetic diseases. Last evaluated: 2021-11-10. Review status: criteria provided, single submitter. Criteria: Ambry Variant Classification Scheme 2023. Collection method: clinical testing. Allele origin: germline.